The following is an entry in ClinVar:

ClinVar aggregate classification (germline): Uncertain significance (1 of 4 stars; one submission).

Conditions:
Atrial fibrillation, familial, 14 (ATFB14). Identifiers: MedGen C3809312, MONDO:0014156, OMIM 615378.

Submission:

Labcorp Genetics (formerly Invitae), Labcorp
Classification: Uncertain significance for Atrial fibrillation, familial, 14. Last evaluated: 2022-05-01. Review status: criteria provided, single submitter. Criteria: Invitae Variant Classification Sherloc (09022015). Collection method: clinical testing. Allele origin: germline.
Comment: In summary, the available evidence is currently insufficient to determine the role of this variant in disease. Therefore, it has been classified as a Variant of Uncertain Significance. Algorithms developed to predict the effect of missense changes on protein structure and function are either unavailable or do not agree on the potential impact of this missense change (SIFT: "Tolerated"; PolyPhen-2: "Possibly Damaging"; Align-GVGD: "Class C0"). This variant has not been reported in the literature in individuals affected with SCN2B-related conditions. This variant is not present in population databases (gnomAD no frequency). This sequence change replaces asparagine, which is neutral and polar, with lysine, which is basic and polar, at codon 89 of the SCN2B protein (p.Asn89Lys).

NM_004588.5(SCN2B):c.267C>G (p.Asn89Lys)

Gene: SCN2B (sodium voltage-gated channel beta subunit 2; minus strand). Cytogenetic location: 11q23.3.
Variant type: single nucleotide variant.
Coding change: c.267C>G on transcript NM_004588.5 (MANE Select); coding-DNA position 267, C replaced by G.
Protein change: p.Asn89Lys; replaces asparagine 89 with lysine.
Molecular consequence: missense variant.
Genome position (GRCh38, 1-based): chr11:118,168,266, G>C on the plus strand (C>G on the coding strand, the complement: SCN2B is on the minus strand). VCF-style: chr11-118168266-G-C. GRCh37 (hg19) VCF-style: chr11-118038981-G-C.
Other names: short protein forms N89K.
Identifiers: ClinVar variation 1396947 (VCV001396947.6), dbSNP rs2135518217, ClinGen allele CA382785322.